The following is an entry in ClinVar:

NM_001330078.2(NRXN1):c.2880-3C>G

Gene: NRXN1 (neurexin 1; minus strand). Cytogenetic location: 2p16.3.
Variant type: single nucleotide variant.
Coding change: c.2880-3C>G on transcript NM_001330078.2 (MANE Select); 3 bases into the intron before coding-DNA position 2880, C replaced by G.
Molecular consequence: intron variant.
Genome position (GRCh38, 1-based): chr2:50,496,098, G>C on the plus strand (C>G on the coding strand, the complement: NRXN1 is on the minus strand). VCF-style: chr2-50496098-G-C. GRCh37 (hg19) VCF-style: chr2-50723236-G-C.
Other names: c.2769-3C>G (NM_001330096.2, NM_001330087.2); c.2814-3C>G (NM_001330083.2, NM_001330084.2); c.2799-3C>G (NM_001330088.2); c.2877-3C>G (NM_001330093.2); c.2868-3C>G (NM_001330094.2); c.2829-3C>G (NM_001330095.2); c.2856-3C>G (NM_001330082.2, NM_001330077.2); c.2853-3C>G (NM_001330085.2); and 2 more.
Identifiers: ClinVar variation 1055971 (VCV001055971.9), dbSNP rs1385624811, ClinGen allele CA769779754.

ClinVar aggregate classification (germline): Uncertain significance (1 of 4 stars; one submission).

Conditions:
Pitt-Hopkins-like syndrome 2 (PTHSL2). Identifiers: Orphanet 221150, Orphanet 600663, MedGen C3280479, MONDO:0013690, OMIM 614325.

Allele frequency attached by ClinVar (database versions not stated): TOPMed 0.00001.

Submission:

Labcorp Genetics (formerly Invitae), Labcorp
Classification: Uncertain significance for Pitt-Hopkins-like syndrome 2. Last evaluated: 2020-05-14. Review status: criteria provided, single submitter. Criteria: Invitae Variant Classification Sherloc (09022015). Collection method: clinical testing. Allele origin: germline.
Comment: In summary, the available evidence is currently insufficient to determine the role of this variant in disease. Therefore, it has been classified as a Variant of Uncertain Significance. Nucleotide substitutions within the consensus splice site are a relatively common cause of aberrant splicing (PMID: 17576681, 9536098). Algorithms developed to predict the effect of sequence changes on RNA splicing suggest that this variant may disrupt the consensus splice site, but this prediction has not been confirmed by published transcriptional studies. This variant has not been reported in the literature in individuals with NRXN1-related conditions. This variant is not present in population databases (ExAC no frequency). This sequence change falls in intron 15 of the NRXN1 gene. It does not directly change the encoded amino acid sequence of the NRXN1 protein, but it affects a nucleotide within the consensus splice site of the intron.

Literature cited by the submitters: PubMed 17576681; PubMed 9536098.